The following is an entry in ClinVar:

NM_000435.3(NOTCH3):c.1547G>T (p.Cys516Phe)

Gene: NOTCH3 (notch receptor 3; minus strand). Cytogenetic location: 19p13.12.
Variant type: single nucleotide variant.
Coding change: c.1547G>T on transcript NM_000435.3 (MANE Select); coding-DNA position 1547, G replaced by T.
Protein change: p.Cys516Phe; replaces cysteine 516 with phenylalanine.
Molecular consequence: missense variant.
Genome position (GRCh38, 1-based): chr19:15,187,940, C>A on the plus strand (G>T on the coding strand, the complement: NOTCH3 is on the minus strand). VCF-style: chr19-15187940-C-A. GRCh37 (hg19) VCF-style: chr19-15298751-C-A.
Other names: short protein forms C516F.
Identifiers: ClinVar variation 994827 (VCV000994827.3), dbSNP rs2046897026, ClinGen allele CA404526447.
Genomic context (GRCh38, chr19:15,187,940, plus strand): 5'-CCCTCGGCACAGCGGCACTCGTAGCCATCGGGCTGGTCCACGCATTTGGCGCCATTCCTG[C>A]AGGGCGTGCTGGCGCATTCGTCCACGTCCAGCTGACACGTGGAGCCGCTGAAGCCTGGGG-3'
Protein context (NP_000426.2, residues 506-526): LDVDECASTP[Cys516Phe]RNGAKCVDQP

ClinVar aggregate classification (germline): Pathogenic/Likely pathogenic. Review status: criteria provided, multiple submitters, no conflicts (2 of 4 stars). 3 submissions from 3 submitters: Pathogenic (2); Likely pathogenic (1). Last evaluated 2025-09-22.

Conditions:
Cerebral arteriopathy, autosomal dominant, with subcortical infarcts and leukoencephalopathy, type 1 (CADASIL1). Also called: Cerebral arteriopathy with subcortical infarcts and leukoencephalopathy 1; CADASIL 1; CASIL; DEMENTIA, HEREDITARY MULTIINFARCT TYPE. Identifiers: Orphanet 136, MedGen C4551768, MONDO:0000914, OMIM 125310.

gnomAD v4.1: 6 of 1,550,454 alleles (0.00039%); highest among the groups gnomAD compares: Non-Finnish European, 0.00052%; no homozygotes.

Submissions (3):

Concord Molecular Medicine Laboratory, Concord Repatriation General Hospital
Classification: Pathogenic for Cerebral arteriopathy, autosomal dominant, with subcortical infarcts and leukoencephalopathy, type 1. Last evaluated: 2025-09-22. Review status: criteria provided, single submitter. Criteria: ACMG Guidelines, 2015. Collection method: clinical testing. Allele origin: germline. Inheritance: Autosomal dominant inheritance. Affected: yes. Observed: 1 heterozygote.
Comment: This is a rare variant not detected in control population database (gnomAD v4.1.0). This variant is a cysteine-altering variant within the epidermal growth factor-like repeat (EGFr) domain 14. Loss of cysteine residues in EGFr of NOTCH3 is a known mechanism of disease. In silico analysis suggests this variant to be damaging (REVEL 0.96). A different missense variant at the same amino acid position, p.(Cys516Tyr), has been reported in a patient with CADASIL.

Athena Diagnostics
Classification: Pathogenic. Last evaluated: 2025-06-18. Review status: criteria provided, single submitter. Criteria: Athena Diagnostics Criteria. Collection method: clinical testing. Allele origin: unknown.
Comment: This variant alters a critical location within the protein, and is expected to severely affect function and cause disease. This variant has not been reported in large, multi-ethnic general populations. This variant has been identified in at least one individual with clinical features associated with this CADASIL. Greater than 90% of NOTCH3 pathogenic variants associated with CADASIL involve the gain or loss of a cysteine residue within the epidermal growth factor (EGF)-like repeat domain (PMID: 32457593, 20301673).

GeneDx
Classification: Likely pathogenic. Last evaluated: 2025-04-21. Review status: criteria provided, single submitter. Criteria: GeneDx Variant Classification Process June 2021. Collection method: clinical testing. Allele origin: germline. Affected: yes.
Comment: In silico analysis supports that this missense variant has a deleterious effect on protein structure/function; Not observed at significant frequency in large population cohorts (gnomAD); This variant is associated with the following publications: (PMID: 24844136, 37479695, 35641310, 38217707, 35775048)

Literature cited by the submitters: PubMed 37479695 (cited by Athena Diagnostics); PubMed 35775048 (cited by Athena Diagnostics); PubMed 32732295 (cited by Athena Diagnostics).